The following is an entry in ClinVar:

NM_001377.3(DYNC2H1):c.10822C>T (p.Gln3608Ter)

Gene: DYNC2H1 (dynein cytoplasmic 2 heavy chain 1; plus strand). Cytogenetic location: 11q22.3.
Variant type: single nucleotide variant.
Coding change: c.10822C>T on transcript NM_001377.3 (MANE Select); coding-DNA position 10822, C replaced by T.
Protein change: p.Gln3608Ter; replaces glutamine 3608 with a stop codon.
Molecular consequence: nonsense.
Genome position (GRCh38, 1-based): chr11:103,283,017, C>T. VCF-style: chr11-103283017-C-T. GRCh37 (hg19) VCF-style: chr11-103153746-C-T.
Other names: c.10843C>T, p.Gln3615Ter (NM_001080463.2); short protein forms Q3608*, Q3615*.
Identifiers: ClinVar variation 2708158 (VCV002708158.4), dbSNP rs1866204293, ClinGen allele CA382256697.

ClinVar aggregate classification (germline): Pathogenic/Likely pathogenic. Review status: criteria provided, multiple submitters, no conflicts (2 of 4 stars). 2 submissions from 2 submitters: Pathogenic (1); Likely pathogenic (1). Last evaluated 2024-04-17.

Conditions:
Jeune thoracic dystrophy. Also called: Jeune syndrome; Infantile thoracic dystrophy; Thoracic pelvic phalangeal dystrophy; Jeune's syndrome; Chondroectodermal dysplasia-like syndrome; Short-rib thoracic dysplasia. Identifiers: Orphanet 474, MedGen C0265275, MONDO:0018770.
Asphyxiating thoracic dystrophy 3. Also called: SHORT-RIB THORACIC DYSPLASIA 3 WITH OR WITHOUT POLYDACTYLY; POLYDACTYLY WITH NEONATAL CHONDRODYSTROPHY, TYPE I; SHORT-RIB THORACIC DYSPLASIA 3/6 WITH POLYDACTYLY, DIGENIC; Short rib polydactyly syndrome 2B; Saldino-Noonan Syndrome. Identifiers: Orphanet 474, Orphanet 93269, Orphanet 93270, Orphanet 93271, MedGen C0036069, MONDO:0013127, OMIM 613091.

Submissions (2):

Fulgent Genetics
Classification: Likely pathogenic for Asphyxiating thoracic dystrophy 3. Last evaluated: 2024-04-17. Review status: criteria provided, single submitter. Criteria: ACMG Guidelines, 2015. Collection method: clinical testing. Allele origin: germline.

Labcorp Genetics (formerly Invitae), Labcorp
Classification: Pathogenic for Jeune thoracic dystrophy. Last evaluated: 2024-01-07. Review status: criteria provided, single submitter. Criteria: Invitae Variant Classification Sherloc (09022015). Collection method: clinical testing. Allele origin: germline.
Comment: This sequence change creates a premature translational stop signal (p.Gln3615*) in the DYNC2H1 gene. It is expected to result in an absent or disrupted protein product. Loss-of-function variants in DYNC2H1 are known to be pathogenic (PMID: 23339108, 32753734, 33755199). This variant is not present in population databases (gnomAD no frequency). This variant has not been reported in the literature in individuals affected with DYNC2H1-related conditions. For these reasons, this variant has been classified as Pathogenic.

Literature cited by the submitters: PubMed 23339108 (cited by Labcorp Genetics (formerly Invitae), Labcorp); PubMed 32753734 (cited by Labcorp Genetics (formerly Invitae), Labcorp); PubMed 33755199 (cited by Labcorp Genetics (formerly Invitae), Labcorp).